The following is an entry in ClinVar:

ClinVar aggregate classification (germline): Likely benign (0 of 4 stars; one submission).

Conditions:
CARD10-related disorder. Also called: CARD10-related condition.

Allele frequency attached by ClinVar (database versions not stated): ExAC 0.00011; gnomAD 0.00019; TOPMed 0.00020; ESP Exome Variant Server 0.00031; gnomAD exomes 0.00035.

Submission:

PreventionGenetics, part of Exact Sciences
Classification: Likely benign for CARD10-related condition. Last evaluated: 2019-07-16. Review status: no assertion criteria provided. Collection method: clinical testing. Allele origin: germline.
Comment: This variant is classified as likely benign based on ACMG/AMP sequence variant interpretation guidelines (Richards et al. 2015 PMID: 25741868, with internal and published modifications).

NM_014550.4(CARD10):c.2477-7G>C

Gene: CARD10 (caspase recruitment domain family member 10; minus strand). Cytogenetic location: 22q13.1.
Variant type: single nucleotide variant.
Coding change: c.2477-7G>C on transcript NM_014550.4 (MANE Select); 7 bases into the intron before coding-DNA position 2477, G replaced by C.
Molecular consequence: intron variant.
Genome position (GRCh38, 1-based): chr22:37,492,809, C>G on the plus strand (G>C on the coding strand, the complement: CARD10 is on the minus strand). VCF-style: chr22-37492809-C-G. GRCh37 (hg19) VCF-style: chr22-37888816-C-G.
Identifiers: ClinVar variation 3049329 (VCV003049329.2), dbSNP rs371884305, ClinGen allele CA10219459.